The following is an entry in ClinVar:

NM_001197104.2(KMT2A):c.5788del (p.Arg1930fs)

Gene: KMT2A (lysine methyltransferase 2A; plus strand). Cytogenetic location: 11q23.3.
Variant type: Deletion.
Coding change: c.5788del on transcript NM_001197104.2 (MANE Select); coding-DNA position 5788, one base deleted (A; older notation c.5788delA).
Protein change: p.Arg1930fs; shifts the reading frame from arginine 1930.
Molecular consequence: frameshift variant.
Genome position (GRCh38, 1-based): chr11:118,498,059, A deleted. VCF-style (leftmost placement, unchanged base first): chr11-118498058-CA-C. GRCh37 (hg19) VCF-style: chr11-118368773-CA-C.
Other names: c.5878delA, p.Arg1960Glyfs (NM_001412597.1); c.5779del, p.Arg1927fs (NM_005933.4); short protein forms R1927fs, R1930fs.
Identifiers: ClinVar variation 1712697 (VCV001712697.6), dbSNP rs2496958302, ClinGen allele CA2573320227.
Genomic context (GRCh38, chr11:118,498,058, plus strand): 5'-GTCAGCGGAAGTGTTTGAAGATGATGACGGATCACTAAAGAATGTGCATATGGCTGTGAT[CA>C]GGGGCAAGCAGCTGGTAAGACCTTATGGGTAAATTTTATGAAAGAGATTCCCTCTCAGTT-3'

ClinVar aggregate classification (germline): Pathogenic. Review status: criteria provided, multiple submitters, no conflicts (2 of 4 stars). 3 submissions from 3 submitters: Pathogenic (3). Last evaluated 2025-11-27.

Conditions:
Inborn genetic diseases. Identifiers: MedGen C0950123, MeSH D030342.

Submissions (3):

GeneDx
Classification: Pathogenic. Last evaluated: 2025-11-27. Review status: criteria provided, single submitter. Criteria: GeneDx Variant Classification Process June 2021. Collection method: clinical testing. Allele origin: germline.
Comment: Reported in an individual with patent ductus arteriosus in published literature; however, no further clinical information was provided (PMID: 32368696); Frameshift variant predicted to result in protein truncation or nonsense mediated decay in a gene for which loss of function is a known mechanism of disease; Not observed at significant frequency in large population cohorts (gnomAD); This variant is associated with the following publications: (PMID: 33084842, 32368696)

Ambry Genetics
Classification: Pathogenic for Inborn genetic diseases. Last evaluated: 2024-12-11. Review status: criteria provided, single submitter. Criteria: Ambry Variant Classification Scheme 2023. Collection method: clinical testing. Allele origin: germline.
Comment: The c.5788delA (p.R1930Gfs*5) alteration, located in exon 21 (coding exon 21) of the KMT2A gene, consists of a deletion of one nucleotide at position 5788, causing a translational frameshift with a predicted alternate stop codon after 5 amino acids. This alteration is expected to result in loss of function by premature protein truncation or nonsense-mediated mRNA decay. This variant was not reported in population-based cohorts in the Genome Aggregation Database (gnomAD). This variant was reported in individual(s) with congenital heart disease; in at least one individual, it was determined to be de novo (Edwards, 2020; Morton, 2021). Based on the available evidence, this alteration is classified as pathogenic.

Labcorp Genetics (formerly Invitae), Labcorp
Classification: Pathogenic. Last evaluated: 2024-02-14. Review status: criteria provided, single submitter. Criteria: Invitae Variant Classification Sherloc (09022015). Collection method: clinical testing. Allele origin: germline.
Comment: This sequence change creates a premature translational stop signal (p.Arg1930Glyfs*5) in the KMT2A gene. It is expected to result in an absent or disrupted protein product. Loss-of-function variants in KMT2A are known to be pathogenic (PMID: 22795537, 25810209, 29574747). This variant is not present in population databases (gnomAD no frequency). This premature translational stop signal has been observed in individual(s) with clinical features of KMT2A-related conditions (PMID: 32368696). ClinVar contains an entry for this variant (Variation ID: 1712697). For these reasons, this variant has been classified as Pathogenic.

Literature cited by the submitters: PubMed 32368696 (cited by Ambry Genetics and Labcorp Genetics (formerly Invitae), Labcorp); PubMed 33084842 (cited by Ambry Genetics); PubMed 22795537 (cited by Labcorp Genetics (formerly Invitae), Labcorp); PubMed 25810209 (cited by Labcorp Genetics (formerly Invitae), Labcorp); PubMed 29574747 (cited by Labcorp Genetics (formerly Invitae), Labcorp).